The following is an entry in ClinVar:

ClinVar aggregate classification (germline): Uncertain significance (1 of 4 stars; one submission).

Conditions:
Hereditary cancer-predisposing syndrome. Also called: Tumor predisposition; Hereditary Cancer Syndrome; Neoplastic Syndromes, Hereditary; Hereditary neoplastic syndrome. Identifiers: Orphanet 140162, MedGen C0027672, MeSH D009386, MONDO:0015356.

Submission:

Ambry Genetics
Classification: Uncertain significance for Hereditary cancer-predisposing syndrome. Last evaluated: 2022-09-08. Review status: criteria provided, single submitter. Criteria: Ambry Variant Classification Scheme 2023. Collection method: clinical testing. Allele origin: germline.
Comment: The p.A854D variant (also known as c.2561C>A), located in coding exon 15 of the PMS2 gene, results from a C to A substitution at nucleotide position 2561. The alanine at codon 854 is replaced by aspartic acid, an amino acid with dissimilar properties. This amino acid position is conserved. In addition, the in silico prediction for this alteration is inconclusive. Since supporting evidence is limited at this time, the clinical significance of this alteration remains unclear.

NM_000535.7(PMS2):c.2561C>A (p.Ala854Asp)

Gene: PMS2 (PMS1 homolog 2, mismatch repair system component; minus strand). Cytogenetic location: 7p22.1.
Variant type: single nucleotide variant.
Coding change: c.2561C>A on transcript NM_000535.7 (MANE Select); coding-DNA position 2561, C replaced by A.
Protein change: p.Ala854Asp; replaces alanine 854 with aspartic acid.
Molecular consequence: missense variant. On other transcripts: non-coding transcript variant (1).
Genome position (GRCh38, 1-based): chr7:5,973,427, G>T on the plus strand (C>A on the coding strand, the complement: PMS2 is on the minus strand). VCF-style: chr7-5973427-G-T. GRCh37 (hg19) VCF-style: chr7-6013058-G-T.
Other names: c.2156C>A, p.Ala719Asp (NM_001018040.1, NM_001322003.2, NM_001322004.2 and 12 more transcripts); c.2405C>A, p.Ala802Asp (NM_001322006.2); c.2243C>A, p.Ala748Asp (NM_001322007.2, NM_001322008.2, NM_001406883.1); c.2189C>A, p.Ala730Asp (NM_001322009.2, NM_001406887.1, NM_001406888.1); c.2000C>A, p.Ala667Asp (NM_001322010.2, NM_001406906.1, NM_001406907.1); c.1628C>A, p.Ala543Asp (NM_001322011.2, NM_001322012.2); c.1988C>A, p.Ala663Asp (NM_001322013.2, NM_001406908.1, NM_001406909.1); c.2594C>A, p.Ala865Asp (NM_001322014.2); and 20 more; short protein forms A543D, A597D, A692D, A762D, A788D, A854D, A865D, A916D.
Identifiers: ClinVar variation 1793119 (VCV001793119.2), dbSNP rs1583268949, ClinGen allele CA366734778.
Genomic context (GRCh38, chr7:5,973,427, plus strand): 5'-ATAAAACCAATTATTCCATACAGTGACTACGGTCAGTTCTGAGAAATGACACCCAGGTTG[G>T]CGATGTGTCTCATGGTTGGCCTTCCATGGGGACAGTTCCAGGGGTGGTCCATCTCCCCCA-3'
Protein context (NP_000526.2, residues 844-862): PHGRPTMRHI[Ala854Asp]NLGVISQN